The following is an entry in ClinVar:

NM_145698.5(ACBD5):c.719A>G (p.Gln240Arg)

Gene: ACBD5 (acyl-CoA binding domain containing 5; minus strand). Cytogenetic location: 10p12.1.
Variant type: single nucleotide variant.
Coding change: c.719A>G on transcript NM_145698.5 (MANE Select); coding-DNA position 719, A replaced by G.
Protein change: p.Gln240Arg; replaces glutamine 240 with arginine.
Molecular consequence: missense variant. On other transcripts: intron variant (6).
Genome position (GRCh38, 1-based): chr10:27,218,090, T>C on the plus strand (A>G on the coding strand, the complement: ACBD5 is on the minus strand). VCF-style: chr10-27218090-T-C. GRCh37 (hg19) VCF-style: chr10-27507019-T-C.
Other names: c.614A>G, p.Gln205Arg (NM_001042473.4, NM_001352577.2, NM_001352578.2 and 1 more transcripts); c.713A>G, p.Gln238Arg (NM_001271512.3); c.392A>G, p.Gln131Arg (NM_001301251.2, NM_001301252.2, NM_001301253.2 and 2 more transcripts); c.773A>G, p.Gln258Arg (NM_001352568.1); c.752A>G, p.Gln251Arg (NM_001352569.1); c.719A>G, p.Gln240Arg (NM_001352570.1); c.746A>G, p.Gln249Arg (NM_001352571.1); c.740A>G, p.Gln247Arg (NM_001352572.1); and 10 more; short protein forms Q142R, Q187R, Q249R, Q233R, Q240R, Q247R, Q251R, Q258R.
Identifiers: ClinVar variation 837215 (VCV000837215.9), dbSNP rs1258435246, ClinGen allele CA376375509.
Genomic context (GRCh38, chr10:27,218,090, plus strand): 5'-ATGGGCTTTACTTCTTCAGTGCTTCTGCCATTCAGGGAAGAACTGGCATGAATGTCATTC[T>C]GTATATCCTGAACAAAGCCATCTTTATCATAGCCATTAGTGACAATGACTTCCAAATTCT-3'
Protein context (NP_663736.2, residues 230-250): YDKDGFVQDI[Gln240Arg]NDIHASSSLN

ClinVar aggregate classification (germline): Uncertain significance (1 of 4 stars; one submission).

Allele frequency attached by ClinVar (database versions not stated): gnomAD 0.00001; gnomAD exomes 0.00001.
gnomAD v4.1: 9 of 1,614,046 alleles (0.00056%); highest among the groups gnomAD compares: African/African-American, 0.0013%; no homozygotes.

Submission:

Labcorp Genetics (formerly Invitae), Labcorp
Classification: Uncertain significance. Last evaluated: 2020-09-16. Review status: criteria provided, single submitter. Criteria: Invitae Variant Classification Sherloc (09022015). Collection method: clinical testing. Allele origin: germline.
Comment: This sequence change replaces glutamine with arginine at codon 240 of the ACBD5 protein (p.Gln240Arg). The glutamine residue is weakly conserved and there is a small physicochemical difference between glutamine and arginine. This variant is not present in population databases (ExAC no frequency). This variant has not been reported in the literature in individuals with ACBD5-related conditions. In summary, the available evidence is currently insufficient to determine the role of this variant in disease. Therefore, it has been classified as a Variant of Uncertain Significance. Algorithms developed to predict the effect of missense changes on protein structure and function (SIFT, PolyPhen-2, Align-GVGD) all suggest that this variant is likely to be tolerated, but these predictions have not been confirmed by published functional studies and their clinical significance is uncertain.